The following is an entry in ClinVar:

ClinVar aggregate classification (germline): Benign (1 of 4 stars; one submission).

Allele frequency attached by ClinVar (database versions not stated): TOPMed 0.10148; gnomAD 0.10459 and 0.10750; gnomAD exomes 0.12004; 1000 Genomes Project 30x 0.12555; 1000 Genomes Project 0.13379.
gnomAD v4.1: 71,809 of 613,638 alleles (12%); highest among the groups gnomAD compares: East Asian, 22%; 4,807 homozygotes.

Submission:

GeneDx
Classification: Benign. Last evaluated: 2018-06-19. Review status: criteria provided, single submitter. Criteria: GeneDx Variant Classification (06012015). Collection method: clinical testing. Allele origin: germline. Affected: yes.
Comment: This variant is considered likely benign or benign based on one or more of the following criteria: it is a conservative change, it occurs at a poorly conserved position in the protein, it is predicted to be benign by multiple in silico algorithms, and/or has population frequency not consistent with disease.

NM_001377.3(DYNC2H1):c.7141-129T>C

Gene: DYNC2H1 (dynein cytoplasmic 2 heavy chain 1; plus strand). Cytogenetic location: 11q22.3.
Variant type: single nucleotide variant.
Coding change: c.7141-129T>C on transcript NM_001377.3 (MANE Select); 129 bases into the intron before coding-DNA position 7141, T replaced by C.
Molecular consequence: intron variant.
Genome position (GRCh38, 1-based): chr11:103,188,368, T>C. VCF-style: chr11-103188368-T-C. GRCh37 (hg19) VCF-style: chr11-103059097-T-C.
Other names: c.7141-129T>C (NM_001080463.2).
Identifiers: ClinVar variation 669448 (VCV000669448.1), dbSNP rs11225590, ClinGen allele CA227405362.
Genomic context (GRCh38, chr11:103,188,368, plus strand): 5'-AACACAGAGATTTGAACAGTATTATTTTTCAGTGATATAATAATTTAAGATACCATTTAA[T>C]CTAAAATTCTTGAGTTAGATAGATGATGATTGCATTTAGAAATAATTGAAACTTAGGCAA-3'